The following is an entry in ClinVar:

NM_001110556.2(FLNA):c.6642G>C (p.Val2214=)

Gene: FLNA (filamin A; minus strand). Cytogenetic location: Xq28.
Variant type: single nucleotide variant.
Coding change: c.6642G>C on transcript NM_001110556.2 (MANE Select); coding-DNA position 6642, G replaced by C.
Protein change: p.Val2214=; no amino-acid change (valine 2214 retained).
Molecular consequence: synonymous variant.
Genome position (GRCh38, 1-based): chrX:154,352,308, C>G on the plus strand (G>C on the coding strand, the complement: FLNA is on the minus strand). VCF-style: chrX-154352308-C-G. GRCh37 (hg19) VCF-style: chrX-153580676-C-G.
Other names: p.V2206V:GTG>GTC; p.Val2206=; c.6618G>C, p.Val2206= (NM_001456.4).
Identifiers: ClinVar variation 93770 (VCV000093770.44), dbSNP rs1064822, ClinGen allele CA147282.

ClinVar aggregate classification (germline): Benign. Review status: criteria provided, multiple submitters, no conflicts (2 of 4 stars). 13 submissions from 13 submitters: Benign (10). 3 of the submissions do not count toward it. Last evaluated 2026-03-27.

Conditions:
Heterotopia, periventricular, X-linked dominant (PVNH1). Also called: PERIVENTRICULAR NODULAR HETEROTOPIA 4; HETEROTOPIA, PERIVENTRICULAR, 1; X-linked periventricular heterotopia; PERIVENTRICULAR NODULAR HETEROTOPIA 1. Identifiers: Orphanet 2149, Orphanet 82004, MedGen C1848213, MONDO:0010233, OMIM 300049.
Melnick-Needles syndrome (MNS). Also called: Melnick-Needles Syndrome (FLNA-MNS); MELNICK-NEEDLES OSTEODYSPLASTY; OSTEODYSPLASTY OF MELNICK AND NEEDLES. Identifiers: Orphanet 2484, MedGen C0025237, MONDO:0010650, OMIM 309350.
Oto-palato-digital syndrome, type II (OPD2). Also called: Otopalatodigital Syndrome Type 2 (FLNA-OPD2); FACIOPALATOOSSEOUS SYNDROME; OPD II SYNDROME; Otopalatodigital Syndrome, Type II. Identifiers: Orphanet 669, Orphanet 90652, MedGen C1844696, MONDO:0010571, OMIM 304120.
Frontometaphyseal dysplasia (FMD1). Identifiers: Orphanet 1826, MedGen C0265293, MONDO:0015942.
Familial thoracic aortic aneurysm and aortic dissection (TAAD). Also called: Thoracic aortic aneurysms and dissections. Identifiers: Orphanet 91387, MedGen C4707243, MONDO:0019625.

Allele frequency attached by ClinVar (database versions not stated): gnomAD 0.05152 and 0.05512; 1000 Genomes Project 0.05828; TOPMed 0.05922; ExAC 0.01761; ESP Exome Variant Server 0.06075; gnomAD exomes 0.01411; 1000 Genomes Project 30x 0.06139.
gnomAD v4.1: 11,921 of 1,210,224 alleles (0.99%); highest among the groups gnomAD compares: African/African-American, 18%; 718 homozygotes.

Submissions (13):

Molecular Diagnostic Laboratory for Inherited Cardiovascular Disease, Montreal Heart Institute
Classification: Benign. Last evaluated: 2026-03-27. Review status: criteria provided, single submitter. Criteria: ACMG Guidelines, 2015. Collection method: clinical testing. Allele origin: germline. Affected: no.
Comment: BA1;BP7

Labcorp Genetics (formerly Invitae), Labcorp
Classification: Benign for Oto-palato-digital syndrome, type II; Heterotopia, periventricular, X-linked dominant; Frontometaphyseal dysplasia; Melnick-Needles syndrome. Last evaluated: 2026-02-04. Review status: criteria provided, single submitter. Criteria: Invitae Variant Classification Sherloc (09022015). Collection method: clinical testing. Allele origin: germline.

ARUP Laboratories, Molecular Genetics and Genomics, ARUP Laboratories
Classification: Benign. Last evaluated: 2025-07-14. Review status: criteria provided, single submitter. Criteria: ARUP Molecular Germline Variant Investigation Process 2024. Collection method: clinical testing. Allele origin: germline.

Mayo Clinic Laboratories, Mayo Clinic
Classification: Benign. Last evaluated: 2023-08-04. Review status: criteria provided, single submitter. Criteria: ACMG Guidelines, 2015. Collection method: clinical testing. Allele origin: germline. Observed: 144 variant alleles.

Women's Health and Genetics/Laboratory Corporation of America, LabCorp
Classification: Benign. Last evaluated: 2023-07-21. Review status: criteria provided, single submitter. Criteria: LabCorp Variant Classification Summary - May 2015. Collection method: clinical testing. Allele origin: germline.

Ambry Genetics
Classification: Benign for Familial thoracic aortic aneurysm and aortic dissection. Last evaluated: 2015-04-20. Review status: criteria provided, single submitter. Criteria: Ambry Variant Classification Scheme 2023. Collection method: clinical testing. Allele origin: germline.

Eurofins Ntd Llc (ga)
Classification: Benign. Last evaluated: 2014-01-09. Review status: criteria provided, single submitter. Criteria: EGL Classification Definitions 2015. Collection method: clinical testing. Allele origin: germline. Observed: 2 variant alleles, 1 heterozygote, 1 hemizygote.

GeneDx
Classification: Benign. Last evaluated: 2013-12-19. Review status: criteria provided, single submitter. Criteria: GeneDx Variant Classification (06012015). Collection method: clinical testing. Allele origin: germline. Affected: yes.
Comment: This variant is considered likely benign or benign based on one or more of the following criteria: it is a conservative change, it occurs at a poorly conserved position in the protein, it is predicted to be benign by multiple in silico algorithms, and/or has population frequency not consistent with disease.

Breakthrough Genomics
Classification: Benign. Review status: criteria provided, single submitter. Criteria: ACMG Guidelines, 2015. Collection method: not provided. Allele origin: germline. Inheritance: X-linked inheritance. Affected: yes.

PreventionGenetics, part of Exact Sciences
Classification: Benign. Review status: criteria provided, single submitter. Criteria: ACMG Guidelines, 2015. Collection method: clinical testing. Allele origin: germline.

Clinical Genetics DNA and cytogenetics Diagnostics Lab, Erasmus MC, Erasmus Medical Center
Classification: Benign. Review status: no assertion criteria provided. Collection method: clinical testing. Allele origin: germline. Affected: yes. Study: VKGL Data-share Consensus. Not counted in ClinVar's aggregate classification.

Genetic Services Laboratory, University of Chicago
Classification: Likely benign for AllHighlyPenetrant. Review status: no assertion criteria provided. Collection method: clinical testing. Allele origin: germline. Inheritance: X-linked inheritance. Not counted in ClinVar's aggregate classification.
Comment: Likely benign based on allele frequency in 1000 Genomes Project or ESP global frequency and its presence in a patient with a rare or unrelated disease phenotype. NOT Sanger confirmed.

Genome Diagnostics Laboratory, Amsterdam University Medical Center
Classification: Benign. Review status: no assertion criteria provided. Collection method: clinical testing. Allele origin: germline. Affected: yes. Study: VKGL Data-share Consensus. Not counted in ClinVar's aggregate classification.